The following is an entry in ClinVar:

ClinVar aggregate classification (germline): Likely benign (0 of 4 stars; one submission).

Conditions:
PHYKPL-related disorder. Also called: PHYKPL-related condition.

Allele frequency attached by ClinVar (database versions not stated): ExAC 0.00001; gnomAD 0.00001; TOPMed 0.00001; gnomAD exomes 0.00002; ESP Exome Variant Server 0.00008.

Submission:

PreventionGenetics, part of Exact Sciences
Classification: Likely benign for PHYKPL-related condition. Last evaluated: 2020-09-04. Review status: no assertion criteria provided. Collection method: clinical testing. Allele origin: germline.
Comment: This variant is classified as likely benign based on ACMG/AMP sequence variant interpretation guidelines (Richards et al. 2015 PMID: 25741868, with internal and published modifications).

NM_153373.4(PHYKPL):c.502-6C>T

Gene: PHYKPL (5-phosphohydroxy-L-lysine phospho-lyase; minus strand). Cytogenetic location: 5q35.3.
Variant type: single nucleotide variant.
Coding change: c.502-6C>T on transcript NM_153373.4 (MANE Select); 6 bases into the intron before coding-DNA position 502, C replaced by T.
Molecular consequence: intron variant.
Genome position (GRCh38, 1-based): chr5:178,224,570, G>A on the plus strand (C>T on the coding strand, the complement: PHYKPL is on the minus strand). VCF-style: chr5-178224570-G-A. GRCh37 (hg19) VCF-style: chr5-177651571-G-A.
Other names: c.379-6C>T (NM_001278346.1).
Identifiers: ClinVar variation 3031597 (VCV003031597.2), dbSNP rs377115731, ClinGen allele CA3590276.